The following is an entry in ClinVar:

NM_005236.3(ERCC4):c.217A>G (p.Ile73Val)

Gene: ERCC4 (ERCC excision repair 4, endonuclease catalytic subunit; plus strand). Cytogenetic location: 16p13.12.
Variant type: single nucleotide variant.
Coding change: c.217A>G on transcript NM_005236.3 (MANE Select); coding-DNA position 217, A replaced by G.
Protein change: p.Ile73Val; replaces isoleucine 73 with valine.
Molecular consequence: missense variant.
Genome position (GRCh38, 1-based): chr16:13,922,040, A>G. VCF-style: chr16-13922040-A-G. GRCh37 (hg19) VCF-style: chr16-14015897-A-G.
Other names: short protein forms I73V.
Identifiers: ClinVar variation 134143 (VCV000134143.19), dbSNP rs141591400, ClinGen allele CA158891.

ClinVar aggregate classification (germline): Uncertain significance. Review status: criteria provided, multiple submitters, no conflicts (2 of 4 stars). 8 submissions from 7 submitters: Uncertain significance (6). 2 of the submissions do not count toward it. Last evaluated 2024-07-25.

Conditions:
Inborn genetic diseases. Identifiers: MedGen C0950123, MeSH D030342.
Xeroderma pigmentosum, group F (XPF). Also called: ERCC4-Related Xeroderma Pigmentosum; XERODERMA PIGMENTOSUM, TYPE F; Xeroderma pigmentosum, type 6; XP, GROUP F; XERODERMA PIGMENTOSUM VI; XERODERMA PIGMENTOSUM, COMPLEMENTATION GROUP F. Identifiers: MedGen C0268140, MONDO:0010215, OMIM 278760.
Fanconi anemia complementation group Q. Identifiers: Orphanet 84, MedGen C3808988, MONDO:0014108, OMIM 615272.
Cockayne syndrome. Identifiers: Orphanet 191, MedGen C0009207, MONDO:0016006.
XFE progeroid syndrome (XFEPS). Also called: XPF-ERCC1 PROGEROID SYNDROME. Identifiers: MedGen C1970416, MONDO:0012590, OMIM 610965.

Allele frequency attached by ClinVar (database versions not stated): 1000 Genomes Project 0.00020; gnomAD exomes 0.00022 and 0.00031; ExAC 0.00023; TOPMed 0.00030; ESP Exome Variant Server 0.00031; gnomAD 0.00031 and 0.00033; 1000 Genomes Project 30x 0.00047.
gnomAD v4.1: 513 of 1,613,224 alleles (0.032%); highest among the groups gnomAD compares: Non-Finnish European, 0.038%; no homozygotes.

Submissions (8):

St. Jude Molecular Pathology, St. Jude Children's Research Hospital
Classification: Uncertain significance for Xeroderma pigmentosum, group F. Last evaluated: 2024-07-25. Review status: criteria provided, single submitter. Criteria: St. Jude Assertion Criteria 2020. Collection method: clinical testing. Allele origin: germline.
Comment: The ERCC4 c.217A>G (p.Ile73Val) missense change has a maximum subpopulation frequency of 0.037% in gnomAD v2.1.1. The in silico tool REVEL predicts a benign effect on protein function, but to our knowledge this prediction has not been confirmed by functional studies. To our knowledge, this variant has not been reported in individuals with Fanconi anemia or Xeroderma pigmentosum. In summary, the evidence currently available is insufficient to determine the clinical significance of this variant. It has therefore been classified as of uncertain significance.

Fulgent Genetics
Classification: Uncertain significance for Xeroderma pigmentosum, group F; XFE progeroid syndrome; Fanconi anemia complementation group Q. Last evaluated: 2024-04-25. Review status: criteria provided, single submitter. Criteria: ACMG Guidelines, 2015. Collection method: clinical testing. Allele origin: germline.

Labcorp Genetics (formerly Invitae), Labcorp
Classification: Uncertain significance for Fanconi anemia complementation group Q; Xeroderma pigmentosum, group F; Cockayne syndrome. Last evaluated: 2024-01-09. Review status: criteria provided, single submitter. Criteria: Invitae Variant Classification Sherloc (09022015). Collection method: clinical testing. Allele origin: germline.
Comment: This sequence change replaces isoleucine, which is neutral and non-polar, with valine, which is neutral and non-polar, at codon 73 of the ERCC4 protein (p.Ile73Val). This variant is present in population databases (rs141591400, gnomAD 0.04%). This missense change has been observed in individual(s) with breast cancer (PMID: 24465539). ClinVar contains an entry for this variant (Variation ID: 134143). Advanced modeling of protein sequence and biophysical properties (such as structural, functional, and spatial information, amino acid conservation, physicochemical variation, residue mobility, and thermodynamic stability) performed at Invitae indicates that this missense variant is not expected to disrupt ERCC4 protein function with a negative predictive value of 80%. In summary, the available evidence is currently insufficient to determine the role of this variant in disease. Therefore, it has been classified as a Variant of Uncertain Significance.

St. Jude Molecular Pathology, St. Jude Children's Research Hospital
Classification: Uncertain significance for Fanconi anemia complementation group Q. Last evaluated: 2022-10-04. Review status: criteria provided, single submitter. Criteria: St. Jude Assertion Criteria 2020. Collection method: clinical testing. Allele origin: germline.
Comment: the same text as in the submission from St. Jude Molecular Pathology, St. Jude Children's Research Hospital above.

Ambry Genetics
Classification: Uncertain significance for Inborn genetic diseases. Last evaluated: 2021-07-27. Review status: criteria provided, single submitter. Criteria: Ambry Variant Classification Scheme 2023. Collection method: clinical testing. Allele origin: germline.

Illumina Laboratory Services, Illumina
Classification: Uncertain significance for Xeroderma pigmentosum, group F. Last evaluated: 2018-01-13. Review status: criteria provided, single submitter. Criteria: ICSL Variant Classification Criteria 13 December 2019. Collection method: clinical testing. Allele origin: germline.

ITMI
No classification provided. Condition: AllHighlyPenetrant. Last evaluated: 2013-09-19. Review status: no classification provided. Collection method: reference population. Allele origin: germline. Not counted in ClinVar's aggregate classification.
Comment: Please see associated publication for description of ethnicities

Department of Pathology and Laboratory Medicine, Sinai Health System
Classification: Uncertain significance. Review status: no assertion criteria provided. Collection method: clinical testing. Allele origin: unknown. Affected: yes. Study: The Canadian Open Genetics Repository (COGR). Not counted in ClinVar's aggregate classification.
Comment: The ERCC4 p.Ile73Val variant was identified in 1 of 126 proband chromosomes (frequency: 0.0079) from individuals or families with breast cancer (Kohlhase_2014_PMID: 24465539). The variant was identified in dbSNP (ID: rs141591400) and ClinVar, where it was classified as a VUS by Invitae and was unclassified by ITMI (Inova Translational Medicine Institute). The variant was also found in LOVD 3.0 but not in Cosmic. The variant was identified in control databases in 62 of 282586 chromosomes at a frequency of 0.000219 (Genome Aggregation Database Feb 27, 2017). The variant was observed in the following populations: European (non-Finnish) in 48 of 129020 chromosomes (freq: 0.000372), Latino in 10 of 35398 chromosomes (freq: 0.000283), other in 1 of 7218 chromosomes (freq: 0.000139), African in 2 of 24954 chromosomes (freq: 0.00008) and South Asian in 1 of 30582 chromosomes (freq: 0.000033); it was not observed in the Ashkenazi Jewish and East Asian populations. The variant occurs outside of the splicing consensus sequence and in silico or computational prediction software programs (SpliceSiteFinder, MaxEntScan, NNSPLICE, GeneSplicer) do not predict a difference in splicing. The p.Ile73 residue is conserved in mammals but not in more distantly related organisms and four of five computational analyses (PolyPhen-2, SIFT, AlignGVGD, BLOSUM, MutationTaster) do not suggest a high likelihood of impact to the protein;this information is not predictive enough to rule out pathogenicity. In summary, based on the above information the clinical significance of this variant cannot be determined with certainty at this time. This variant is classified as a variant of uncertain significance.

Literature cited by the submitters: PubMed 24465539 (cited by Labcorp Genetics (formerly Invitae), Labcorp); PubMed 24728327 (cited by ITMI).